The following is an entry in ClinVar:

ClinVar aggregate classification (germline): Pathogenic. Review status: criteria provided, multiple submitters, no conflicts (2 of 4 stars). 2 submissions from 2 submitters: Pathogenic (2). Last evaluated 2024-07-25.

Conditions:
Inborn genetic diseases. Identifiers: MedGen C0950123, MeSH D030342.
Developmental and epileptic encephalopathy, 1 (DEE1). Also called: INFANTILE SPASM SYNDROME, X-LINKED 1; X-linked infantile spasms; West's syndrome; Tonic spasms with clustering, arrest of psychomotor development and hypsarrhythmia on EEG; X-Linked Infantile Spasm Syndrome; OHTAHARA SYNDROME, X-LINKED. Identifiers: MedGen C3463992, MONDO:0010632, OMIM 308350. Disease mechanism: loss of function.
Autosomal dominant nonsyndromic hearing loss 65. Also called: TBC1D24-Related Autosomal Dominant Nonsyndromic Hearing Loss (DFNA); Deafness, autosomal dominant 65. Identifiers: Orphanet 90635, MedGen C3892048, MONDO:0014470, OMIM 616044.

Allele frequency attached by ClinVar (database versions not stated): gnomAD exomes below 0.00001.
gnomAD v4.1: 1 of 1,613,370 alleles (0.000062%); highest among the groups gnomAD compares: East Asian, 0.0022%; no homozygotes.

Submissions (2):

Labcorp Genetics (formerly Invitae), Labcorp
Classification: Pathogenic for Developmental and epileptic encephalopathy, 1; Autosomal dominant nonsyndromic hearing loss 65. Last evaluated: 2024-07-25. Review status: criteria provided, single submitter. Criteria: Invitae Variant Classification Sherloc (09022015). Collection method: clinical testing. Allele origin: germline.
Comment: This sequence change creates a premature translational stop signal (p.Gln385*) in the TBC1D24 gene. It is expected to result in an absent or disrupted protein product. Loss-of-function variants in TBC1D24 are known to be pathogenic (PMID: 23526554, 24291220). This variant is not present in population databases (gnomAD no frequency). This premature translational stop signal has been observed in individuals with TBC1D24-related conditions (PMID: 31112829). ClinVar contains an entry for this variant (Variation ID: 852959). Algorithms developed to predict the effect of sequence changes on RNA splicing suggest that this variant may disrupt the consensus splice site. For these reasons, this variant has been classified as Pathogenic.

Ambry Genetics
Classification: Pathogenic for Inborn genetic diseases. Last evaluated: 2018-12-22. Review status: criteria provided, single submitter. Criteria: Ambry Variant Classification Scheme 2023. Collection method: clinical testing. Allele origin: germline.
Comment: The p.Q385* pathogenic mutation (also known as c.1153C>T), located in coding exon 4 of the TBC1D24 gene, results from a C to T substitution at nucleotide position 1153. This changes the amino acid from a glutamine to a stop codon within coding exon 4. This alteration is expected to result in loss of function by premature protein truncation or nonsense-mediated mRNA decay. As such, this alteration is interpreted as a disease-causing mutation.

Literature cited by the submitters: PubMed 23526554 (cited by Labcorp Genetics (formerly Invitae), Labcorp); PubMed 24291220 (cited by Labcorp Genetics (formerly Invitae), Labcorp); PubMed 31112829 (cited by Labcorp Genetics (formerly Invitae), Labcorp).

NM_001199107.2(TBC1D24):c.1153C>T (p.Gln385Ter)

Gene: TBC1D24 (TBC1 domain family member 24; plus strand). Cytogenetic location: 16p13.3.
Variant type: single nucleotide variant.
Coding change: c.1153C>T on transcript NM_001199107.2 (MANE Select); coding-DNA position 1153, C replaced by T.
Protein change: p.Gln385Ter; replaces glutamine 385 with a stop codon.
Molecular consequence: nonsense.
Genome position (GRCh38, 1-based): chr16:2,499,367, C>T. VCF-style: chr16-2499367-C-T. GRCh37 (hg19) VCF-style: chr16-2549368-C-T.
Other names: c.1135C>T, p.Gln379Ter (NM_020705.3); short protein forms Q379*, Q385*.
Identifiers: ClinVar variation 852959 (VCV000852959.12), dbSNP rs2065771024, ClinGen allele CA394379957.